The following is an entry in ClinVar:

NM_001080.3(ALDH5A1):c.412C>T (p.Leu138Phe)

Gene: ALDH5A1 (aldehyde dehydrogenase 5 family member A1; plus strand). Cytogenetic location: 6p22.3.
Variant type: single nucleotide variant.
Coding change: c.412C>T on transcript NM_001080.3 (MANE Select); coding-DNA position 412, C replaced by T.
Protein change: p.Leu138Phe; replaces leucine 138 with phenylalanine.
Molecular consequence: missense variant.
Genome position (GRCh38, 1-based): chr6:24,502,580, C>T. VCF-style: chr6-24502580-C-T. GRCh37 (hg19) VCF-style: chr6-24502808-C-T.
Other names: c.412C>T, p.Leu138Phe (NM_001368954.1, NM_170740.1); short protein forms L138F.
Identifiers: ClinVar variation 1878441 (VCV001878441.3), dbSNP rs2532831031, ClinGen allele CA362969243.
Genomic context (GRCh38, chr6:24,502,580, plus strand): 5'-CAGGAGAGGAGTTCATTACTTCGGAAGTGGTACAATTTAATGATACAAAATAAGGATGAC[C>T]TTGCCAGAATAATCACAGCTGAAAGTGTAAGTTCAGGGTTCTGGCTTGGTGCACTGAGAA-3'
Protein context (NP_001071.1, residues 128-148): YNLMIQNKDD[Leu138Phe]ARIITAESGK

ClinVar aggregate classification (germline): Pathogenic (1 of 4 stars; one submission).

Conditions:
Succinate-semialdehyde dehydrogenase deficiency (SSADHD). Also called: Succinic Semialdehyde Dehydrogenase Deficiency; SSADH DEFICIENCY; 4-HYDROXYBUTYRIC ACIDURIA; GABA METABOLIC DEFECT. Identifiers: Orphanet 22, MedGen C0268631, MONDO:0010083, OMIM 271980.

Submission:

Elsea Laboratory, Baylor College of Medicine
Classification: Pathogenic for Succinate-semialdehyde dehydrogenase deficiency. Last evaluated: 2021-03-08. Review status: criteria provided, single submitter. Criteria: Martin et al. (J Child Neurol. 2021). Collection method: curation. Allele origin: germline. Affected: yes.
Comment: NAD binding domain

Literature cited by the submitters: PubMed 25558043; PubMed 33203024.